The following is an entry in ClinVar:

NM_001378414.1(HDAC4):c.2787G>A (p.Pro929=)

Gene: HDAC4 (histone deacetylase 4; minus strand). Cytogenetic location: 2q37.3.
Variant type: single nucleotide variant.
Coding change: c.2787G>A on transcript NM_001378414.1 (MANE Select); coding-DNA position 2787, G replaced by A.
Protein change: p.Pro929=; no amino-acid change (proline 929 retained).
Molecular consequence: synonymous variant.
Genome position (GRCh38, 1-based): chr2:239,068,571, C>T on the plus strand (G>A on the coding strand, the complement: HDAC4 is on the minus strand). VCF-style: chr2-239068571-C-T. GRCh37 (hg19) VCF-style: chr2-239990267-C-T.
Other names: c.2787G>A, p.Pro929= (NM_001378415.1); c.2772G>A, p.Pro924= (NM_001378416.1, NM_001378417.1, NM_006037.4).
Identifiers: ClinVar variation 747191 (VCV000747191.15), dbSNP rs780024560, ClinGen allele CA2199183.

ClinVar aggregate classification (germline): Likely benign. Review status: criteria provided, multiple submitters, no conflicts (2 of 4 stars). 3 submissions from 3 submitters: Likely benign (3). Last evaluated 2025-05-01.

Allele frequency attached by ClinVar (database versions not stated): gnomAD 0.00001; TOPMed 0.00002; gnomAD exomes 0.00004; ExAC 0.00006.
gnomAD v4.1: 28 of 1,613,942 alleles (0.0017%); highest among the groups gnomAD compares: East Asian, 0.0089%; no homozygotes.

Submissions (3):

CeGaT Center for Human Genetics Tuebingen
Classification: Likely benign. Last evaluated: 2025-05-01. Review status: criteria provided, single submitter. Criteria: CeGaT Center For Human Genetics Tuebingen Variant Classification Criteria Version 2. Collection method: clinical testing. Allele origin: germline. Affected: yes. Observed: 1 variant allele.
Comment: HDAC4: BP4, BP7

Blueprint Genetics
Classification: Likely benign. Last evaluated: 2021-12-20. Review status: criteria provided, single submitter. Criteria: ACMG Guidelines, 2015. Collection method: clinical testing. Allele origin: germline.

Labcorp Genetics (formerly Invitae), Labcorp
Classification: Likely benign. Last evaluated: 2019-12-31. Review status: criteria provided, single submitter. Criteria: Invitae Variant Classification Sherloc (09022015). Collection method: clinical testing. Allele origin: germline.